The following is an entry in ClinVar:

ClinVar aggregate classification (germline): Conflicting classifications of pathogenicity. Review status: criteria provided, conflicting classifications (1 of 4 stars). 2 submissions from 2 submitters: Likely pathogenic (1); Uncertain significance (1). Last evaluated 2021-09-01.

Conditions:
Aicardi-Goutieres syndrome 2. Identifiers: Orphanet 51, MedGen C3489724, MONDO:0012429, OMIM 610181.

Allele frequency attached by ClinVar (database versions not stated): TOPMed 0.00002; gnomAD exomes 0.00003.

Submissions (2):

Labcorp Genetics (formerly Invitae), Labcorp
Classification: Uncertain significance for Aicardi-Goutieres syndrome 2. Last evaluated: 2021-09-01. Review status: criteria provided, single submitter. Criteria: Invitae Variant Classification Sherloc (09022015). Collection method: clinical testing. Allele origin: germline.
Comment: This sequence change affects the initiator methionine of the RNASEH2B mRNA. The next in-frame methionine is located at codon 31. The frequency data for this variant in the population databases is considered unreliable, as metrics indicate insufficient coverage at this position in the ExAC database. Disruption of the initiator codon has been observed in individual(s) with clinical features of RNASEH2B-related conditions (Invitae). In at least one individual the data is consistent with the variant being in trans (on the opposite chromosome) from a pathogenic variant. In summary, the available evidence is currently insufficient to determine the role of this variant in disease. Therefore, it has been classified as a Variant of Uncertain Significance.

UNC Molecular Genetics  Laboratory, University of North Carolina at Chapel Hill
Classification: Likely pathogenic for Aicardi Goutieres syndrome 2. Review status: criteria provided, single submitter. Criteria: ACMG Guidelines, 2015. Collection method: research. Allele origin: germline. Affected: no. Observed: 1 variant allele. Study: NSIGHT-NC NEXUS.
Comment: The RNASEH2B c.2T>C (p.M1T) variant is predicted to result in the loss of a start codon corresponding to the first amino acid of the RNASEH2B protein, which may lead to an aberrant protein.

carrier finding

NM_024570.4(RNASEH2B):c.2T>C (p.Met1Thr)

Genes: RNASEH2B (ribonuclease H2 subunit B; plus strand), RNASEH2B-AS1 (RNASEH2B antisense RNA 1; minus strand), LOC130009810 (ATAC-STARR-seq lymphoblastoid silent region 5362; plus strand). Cytogenetic location: 13q14.3.
Variant type: single nucleotide variant.
Coding change: c.2T>C on transcript NM_024570.4 (MANE Select); coding-DNA position 2, T replaced by C.
Protein change: p.Met1Thr; changes the start codon (methionine 1).
Molecular consequence: missense variant, initiator codon variant.
Genome position (GRCh38, 1-based): chr13:50,910,078, T>C. VCF-style: chr13-50910078-T-C. GRCh37 (hg19) VCF-style: chr13-51484214-T-C.
Other names: c.2T>C, p.Met1Thr (NM_001142279.2); short protein forms M1T.
Identifiers: ClinVar variation 661979 (VCV000661979.11), dbSNP rs1457494794, ClinGen allele CA388258350.